The following is an entry in ClinVar:

NM_000088.4(COL1A1):c.3531+5G>A

Gene: COL1A1 (collagen type I alpha 1 chain; minus strand). Cytogenetic location: 17q21.33.
Variant type: single nucleotide variant.
Coding change: c.3531+5G>A on transcript NM_000088.4 (MANE Select); 5 bases into the intron after coding-DNA position 3531, G replaced by A.
Molecular consequence: intron variant.
Genome position (GRCh38, 1-based): chr17:50,187,010, C>T on the plus strand (G>A on the coding strand, the complement: COL1A1 is on the minus strand). VCF-style: chr17-50187010-C-T. GRCh37 (hg19) VCF-style: chr17-48264371-C-T.
Identifiers: ClinVar variation 848904 (VCV000848904.10), dbSNP rs72656327, ClinGen allele CA291542900.

ClinVar aggregate classification (germline): Pathogenic (1 of 4 stars; one submission).

Conditions:
Osteogenesis imperfecta type I (OI1). Also called: OI, TYPE I; OSTEOGENESIS IMPERFECTA TARDA; OSTEOGENESIS IMPERFECTA WITH BLUE SCLERAE; Osteogenesis imperfecta type 1; Lobstein disease; Classic Non-deforming Osteogenesis Imperfecta with Blue Sclerae. Identifiers: Orphanet 216796, Orphanet 666, MedGen C0023931, MONDO:0008146, OMIM 166200. Disease mechanism: loss of function.

Submission:

Labcorp Genetics (formerly Invitae), Labcorp
Classification: Pathogenic for Osteogenesis imperfecta type I. Last evaluated: 2022-09-20. Review status: criteria provided, single submitter. Criteria: Invitae Variant Classification Sherloc (09022015). Collection method: clinical testing. Allele origin: germline.
Comment: This sequence change falls in intron 47 of the COL1A1 gene. It does not directly change the encoded amino acid sequence of the COL1A1 protein. It affects a nucleotide within the consensus splice site. This variant is not present in population databases (gnomAD no frequency). This variant has been observed in individual(s) with osteogenesis imperfecta (PMID: 17078022, 30715774). It has also been observed to segregate with disease in related individuals. This variant is also known as IVS48+5G>A. ClinVar contains an entry for this variant (Variation ID: 848904). Variants that disrupt the consensus splice site are a relatively common cause of aberrant splicing (PMID: 17576681, 9536098). Algorithms developed to predict the effect of sequence changes on RNA splicing suggest that this variant may disrupt the consensus splice site. For these reasons, this variant has been classified as Pathogenic.

Literature cited by the submitters: PubMed 17078022; PubMed 30715774; PubMed 17576681; PubMed 9536098.